The following is an entry in ClinVar:

NM_170675.5(MEIS2):c.1010_1012del (p.Pro337_Met338delinsLeu)

Gene: MEIS2 (Meis homeobox 2; minus strand). Cytogenetic location: 15q14.
Variant type: Deletion.
Coding change: c.1010_1012del on transcript NM_170675.5 (MANE Select); coding-DNA positions 1010 to 1012, 3 bases deleted (CCA; older notation c.1010_1012delCCA).
Protein change: p.Pro337_Met338delinsLeu.
Molecular consequence: inframe indel. On other transcripts: non-coding transcript variant (1).
Genome position (GRCh38, 1-based): chr15:36,896,652-36,896,654, TGG deleted on the plus strand (CCA on the coding strand, the reverse complement: MEIS2 is on the minus strand). VCF-style (leftmost placement, unchanged base first): chr15-36896651-ATGG-A. GRCh37 (hg19) VCF-style: chr15-37188852-ATGG-A.
Other names: c.1010_1012del, p.Pro337_Met338delinsLeu (NM_001220482.2, NM_170674.5, NM_170676.5 and 1 more transcripts); c.971_973del, p.Pro324_Met325delinsLeu (NM_002399.4, NM_172315.3); c.746_748del, p.Pro249_Met250delinsLeu (NM_172316.3).
Identifiers: ClinVar variation 3383997 (VCV003383997.1).

ClinVar aggregate classification (germline): Likely pathogenic (1 of 4 stars; one submission).

Conditions:
Cleft palate. Identifiers: Orphanet 2014, MedGen C2981150, MONDO:0016064, HP:0000175.

Submission:

Dubai Health Genomic Medicine Center, Dubai Health
Classification: Likely pathogenic for Cleft palate. Last evaluated: 2024-10-04. Review status: criteria provided, single submitter. Criteria: ACMG Guidelines, 2015. Collection method: research. Allele origin: germline. Affected: yes.
Comment: PM2,PM6,PM4,PM1